The following is an entry in ClinVar:

ClinVar aggregate classification (germline): Uncertain significance. Review status: criteria provided, multiple submitters, no conflicts (2 of 4 stars). 2 submissions from 2 submitters: Uncertain significance (2). Last evaluated 2022-12-14.

Allele frequency attached by ClinVar (database versions not stated): gnomAD exomes 0.00001; gnomAD 0.00002; TOPMed 0.00002.
gnomAD v4.1: 10 of 1,608,868 alleles (0.00062%); highest among the groups gnomAD compares: Non-Finnish European, 0.00085%; no homozygotes.

Submissions (2):

Mayo Clinic Laboratories, Mayo Clinic
Classification: Uncertain significance. Last evaluated: 2022-12-14. Review status: criteria provided, single submitter. Criteria: ACMG Guidelines, 2015. Collection method: clinical testing. Allele origin: germline. Observed: 1 variant allele.
Comment: BP1

GeneDx
Classification: Uncertain significance. Last evaluated: 2019-11-14. Review status: criteria provided, single submitter. Criteria: GeneDx Variant Classification Process June 2021. Collection method: clinical testing. Allele origin: germline. Affected: yes.
Comment: Not observed at a significant frequency in large population cohorts (Lek et al., 2016); Missense variant in a gene in which most reported pathogenic variants are truncating/loss-of-function; Has not been previously published as pathogenic or benign to our knowledge

NM_001267550.2(TTN):c.43766C>T (p.Thr14589Ile)

Gene: TTN (titin; minus strand). Cytogenetic location: 2q31.2.
Variant type: single nucleotide variant.
Coding change: c.43766C>T on transcript NM_001267550.2 (MANE Select); coding-DNA position 43766, C replaced by T.
Protein change: p.Thr14589Ile; replaces threonine 14589 with isoleucine.
Molecular consequence: missense variant.
Genome position (GRCh38, 1-based): chr2:178,631,282, G>A on the plus strand (C>T on the coding strand, the complement: TTN is on the minus strand). VCF-style: chr2-178631282-G-A. GRCh37 (hg19) VCF-style: chr2-179496009-G-A.
Other names: p.Thr12948Ile; c.38843C>T, p.Thr12948Ile (NM_001256850.1); c.16571C>T, p.Thr5524Ile (NM_003319.4); c.36062C>T, p.Thr12021Ile (NM_133378.4); c.16946C>T, p.Thr5649Ile (NM_133432.3); c.17147C>T, p.Thr5716Ile (NM_133437.4); short protein forms T12021I, T12948I, T14589I, T5524I, T5649I, T5716I.
Identifiers: ClinVar variation 1208161 (VCV001208161.4), dbSNP rs1171658402, ClinGen allele CA349647480.